The following is an entry in ClinVar:

NM_002853.4(RAD1):c.279A>G (p.Leu93=)

Genes: RAD1 (RAD1 checkpoint DNA exonuclease; minus strand), TTC23L (tetratricopeptide repeat domain 23 like; plus strand). Cytogenetic location: 5p13.2.
Variant type: single nucleotide variant.
Coding change: c.279A>G on transcript NM_002853.4 (MANE Select); coding-DNA position 279, A replaced by G.
Protein change: p.Leu93=; no amino-acid change (leucine 93 retained).
Molecular consequence: synonymous variant.
Genome position (GRCh38, 1-based): chr5:34,913,498, T>C on the plus strand (A>G on the coding strand, the complement: RAD1 is on the minus strand). VCF-style: chr5-34913498-T-C. GRCh37 (hg19) VCF-style: chr5-34913603-T-C.
Identifiers: ClinVar variation 3041897 (VCV003041897.2), dbSNP rs141639726, ClinGen allele CA3227862.
Genomic context (GRCh38, chr5:34,913,498, plus strand): 5'-ACTTTTATGTCTTTATACTGATCATAGTTTACCTGGCATAGGACTTGATCCAAAAATAGA[T>C]AAACAGTCTAAAAGGACAGTTAAATTAATTCGAAAAGTAACAGACTCTTCCTGAACTTTA-3'
Protein context (NP_002844.1, residues 83-103): RINLTVLLDC[Leu93=]SIFGSSPMPG

ClinVar aggregate classification (germline): Likely benign (0 of 4 stars; one submission).

Conditions:
RAD1-related disorder. Also called: RAD1-related condition.

Allele frequency attached by ClinVar (database versions not stated): 1000 Genomes Project 30x 0.00016; 1000 Genomes Project 0.00020; TOPMed 0.00081; gnomAD 0.00094; ESP Exome Variant Server 0.00108; ExAC 0.00146.
gnomAD v4.1: 2,202 of 1,594,074 alleles (0.14%); highest among the groups gnomAD compares: Non-Finnish European, 0.15%; 4 homozygotes.

Submission:

PreventionGenetics, part of Exact Sciences
Classification: Likely benign for RAD1-related condition. Last evaluated: 2019-11-11. Review status: no assertion criteria provided. Collection method: clinical testing. Allele origin: germline.
Comment: This variant is classified as likely benign based on ACMG/AMP sequence variant interpretation guidelines (Richards et al. 2015 PMID: 25741868, with internal and published modifications).